The following is an entry in ClinVar:

ClinVar aggregate classification (germline): Uncertain significance. Review status: criteria provided, multiple submitters, no conflicts (2 of 4 stars). 2 submissions from 2 submitters: Uncertain significance (2). Last evaluated 2026-08-06.

Conditions:
Spastic paraplegia. Identifiers: MedGen C0037772, HP:0001258.
X-linked complicated corpus callosum dysgenesis. Also called: X-Linked Complicated Corpus Callosum Agenesis. Identifiers: Orphanet 1497, MedGen C1839909, MONDO:0010569, OMIM 304100.

Submissions (2):

OLLIN Analises Genomicas, OLLIN
Classification: Uncertain significance for X-linked complicated corpus callosum dysgenesis. Last evaluated: 2026-08-06. Review status: criteria provided, single submitter. Criteria: ACMG Guidelines 2015 PMID 25741868. Collection method: clinical testing. Allele origin: germline. Inheritance: X-linked inheritance.
Comment: This missense variant, located in exon 5 (of 29), is absent from gnomAD and has not been identified in the literature. However, it has been reported in ClinVar (accession VCV001969485.5). In silico analysis is inconclusive regarding the impact of this variant. According to the currently available evidence, this variant has been classified as uncertain significance (PM2_P).

Labcorp Genetics (formerly Invitae), Labcorp
Classification: Uncertain significance for Spastic paraplegia. Last evaluated: 2024-04-30. Review status: criteria provided, single submitter. Criteria: Invitae Variant Classification Sherloc (09022015). Collection method: clinical testing. Allele origin: germline.
Comment: This sequence change replaces isoleucine, which is neutral and non-polar, with valine, which is neutral and non-polar, at codon 97 of the L1CAM protein (p.Ile97Val). This variant is not present in population databases (gnomAD no frequency). This variant has not been reported in the literature in individuals affected with L1CAM-related conditions. ClinVar contains an entry for this variant (Variation ID: 1969485). Advanced modeling of protein sequence and biophysical properties (such as structural, functional, and spatial information, amino acid conservation, physicochemical variation, residue mobility, and thermodynamic stability) performed at Invitae indicates that this missense variant is not expected to disrupt L1CAM protein function with a negative predictive value of 95%. In summary, the available evidence is currently insufficient to determine the role of this variant in disease. Therefore, it has been classified as a Variant of Uncertain Significance.

NM_001278116.2(L1CAM):c.289A>G (p.Ile97Val)

Gene: L1CAM (L1 cell adhesion molecule; minus strand). Cytogenetic location: Xq28.
Variant type: single nucleotide variant.
Coding change: c.289A>G on transcript NM_001278116.2 (MANE Select); coding-DNA position 289, A replaced by G.
Protein change: p.Ile97Val; replaces isoleucine 97 with valine.
Molecular consequence: missense variant.
Genome position (GRCh38, 1-based): chrX:153,872,263, T>C on the plus strand (A>G on the coding strand, the complement: L1CAM is on the minus strand). VCF-style: chrX-153872263-T-C. GRCh37 (hg19) VCF-style: chrX-153137718-T-C.
Other names: c.289A>G, p.Ile97Val (NM_000425.5, NM_024003.3); c.274A>G, p.Ile92Val (NM_001143963.2); short protein forms I92V, I97V.
Identifiers: ClinVar variation 1969485 (VCV001969485.6), dbSNP rs2521035312, ClinGen allele CA415138274.